The following is an entry in ClinVar:

ClinVar aggregate classification (germline): Uncertain significance (1 of 4 stars; one submission).

Allele frequency attached by ClinVar (database versions not stated): gnomAD exomes below 0.00001.
gnomAD v4.1: 1 of 1,613,084 alleles (0.000062%); highest among the groups gnomAD compares: Non-Finnish European, 0.000085%; no homozygotes.

Submission:

Labcorp Genetics (formerly Invitae), Labcorp
Classification: Uncertain significance. Last evaluated: 2022-03-27. Review status: criteria provided, single submitter. Criteria: Invitae Variant Classification Sherloc (09022015). Collection method: clinical testing. Allele origin: germline.
Comment: In summary, the available evidence is currently insufficient to determine the role of this variant in disease. Therefore, it has been classified as a Variant of Uncertain Significance. Experimental studies and prediction algorithms are not available or were not evaluated, and the functional significance of this variant is currently unknown. This variant has not been reported in the literature in individuals affected with COL18A1-related conditions. This variant is not present in population databases (gnomAD no frequency). This sequence change replaces threonine, which is neutral and polar, with asparagine, which is neutral and polar, at codon 142 of the COL18A1 protein (p.Thr142Asn). The COL18A1 gene has multiple clinically relevant transcripts. This variant occurs in alternate transcript NM_030582.4, and corresponds to NM_130445.3:c.107-12287C>A in the primary transcript.

NM_001379500.1(COL18A1):c.107-12287C>A

Gene: COL18A1 (collagen type XVIII alpha 1 chain; plus strand). Cytogenetic location: 21q22.3.
Variant type: single nucleotide variant.
Coding change: c.107-12287C>A on transcript NM_001379500.1 (MANE Select); 12287 bases into the intron before coding-DNA position 107, C replaced by A.
Molecular consequence: intron variant. On other transcripts: missense variant (2).
Genome position (GRCh38, 1-based): chr21:45,455,955, C>A. VCF-style: chr21-45455955-C-A. GRCh37 (hg19) VCF-style: chr21-46875869-C-A.
Other names: c.425C>A, p.Thr142Asn (NM_030582.4, NM_130444.3); short protein forms T142N.
Identifiers: ClinVar variation 2106693 (VCV002106693.4), dbSNP rs1462221937, ClinGen allele CA410506049.